The following is an entry in ClinVar:

NM_003060.4(SLC22A5):c.1517C>T (p.Thr506Ile)

Gene: SLC22A5 (solute carrier family 22 member 5; plus strand). Cytogenetic location: 5q31.1.
Variant type: single nucleotide variant.
Coding change: c.1517C>T on transcript NM_003060.4 (MANE Select); coding-DNA position 1517, C replaced by T.
Protein change: p.Thr506Ile; replaces threonine 506 with isoleucine.
Molecular consequence: missense variant.
Genome position (GRCh38, 1-based): chr5:132,393,742, C>T. VCF-style: chr5-132393742-C-T. GRCh37 (hg19) VCF-style: chr5-131729434-C-T.
Other names: c.1589C>T, p.Thr530Ile (NM_001308122.2); short protein forms T530I, T506I.
Identifiers: ClinVar variation 1483104 (VCV001483104.8), dbSNP rs753704081, ClinGen allele CA3404184.

ClinVar aggregate classification (germline): Uncertain significance (1 of 4 stars; one submission).

Conditions:
Renal carnitine transport defect (CDSP). Also called: Primary carnitine deficiency; Systemic primary carnitine deficiency; CARNITINE DEFICIENCY, SYSTEMIC, DUE TO DEFECT IN RENAL REABSORPTION OF CARNITINE; CARNITINE TRANSPORTER, PLASMA-MEMBRANE, DEFICIENCY OF; CARNITINE UPTAKE DEFECT; Carnitine transporter deficiency. Identifiers: Orphanet 158, MedGen C0342788, MONDO:0008919, OMIM 212140.

Allele frequency attached by ClinVar (database versions not stated): gnomAD exomes below 0.00001; ExAC 0.00001.
gnomAD v4.1: 2 of 1,614,180 alleles (0.00012%); highest among the groups gnomAD compares: Non-Finnish European, 0.00017%; no homozygotes.

Submission:

Labcorp Genetics (formerly Invitae), Labcorp
Classification: Uncertain significance for Renal carnitine transport defect. Last evaluated: 2022-03-19. Review status: criteria provided, single submitter. Criteria: Invitae Variant Classification Sherloc (09022015). Collection method: clinical testing. Allele origin: germline.
Comment: In summary, the available evidence is currently insufficient to determine the role of this variant in disease. Therefore, it has been classified as a Variant of Uncertain Significance. Algorithms developed to predict the effect of missense changes on protein structure and function are either unavailable or do not agree on the potential impact of this missense change (SIFT: "Deleterious"; PolyPhen-2: "Benign"; Align-GVGD: "Class C0"). This variant has not been reported in the literature in individuals affected with SLC22A5-related conditions. This variant is present in population databases (rs753704081, gnomAD 0.006%). This sequence change replaces threonine, which is neutral and polar, with isoleucine, which is neutral and non-polar, at codon 506 of the SLC22A5 protein (p.Thr506Ile).